The following is an entry in ClinVar:

ClinVar aggregate classification (germline): Uncertain significance (1 of 4 stars; one submission).

Conditions:
Senior-Loken syndrome 5 (SLSN5). Identifiers: Orphanet 3156, MedGen C1836517, MONDO:0012225, OMIM 609254.

Submission:

Neuberg Centre For Genomic Medicine, NCGM
Classification: Uncertain significance for Senior-Loken syndrome 5. Review status: criteria provided, single submitter. Criteria: ACMG Guidelines, 2015. Collection method: clinical testing. Allele origin: germline. Inheritance: Autosomal recessive inheritance. Affected: yes.
Comment: The observed missense variant c.1759T>A(p.Leu587Ile) in IQCB1 gene has not been reported previously as a pathogenic variant nor as a benign variant, to our knowledge. This variant is absent in gnomAD Exomes. The amino acid Leu at position 587 is changed to a Ile changing protein sequence and it might alter its composition and physico-chemical properties. Computational evidence (Polyphen-probably damaging, SIFT-Tolerated and MutationTaster-Disease causing) predicts conflicting evidence on protein structure and function for this variant. The reference amino acid p.Leu587Ile in IQCB1 is predicted as conserved by GERP++ and PhyloP across 100 vertebrates. For these reasons, this variant has been classified as Uncertain Significance.

NM_001023570.4(IQCB1):c.1759T>A (p.Leu587Ile)

Gene: IQCB1 (IQ motif containing B1; minus strand). Cytogenetic location: 3q13.33.
Variant type: single nucleotide variant.
Coding change: c.1759T>A on transcript NM_001023570.4 (MANE Select); coding-DNA position 1759, T replaced by A.
Protein change: p.Leu587Ile; replaces leucine 587 with isoleucine.
Molecular consequence: missense variant. On other transcripts: non-coding transcript variant (1).
Genome position (GRCh38, 1-based): chr3:121,770,383, A>T on the plus strand (T>A on the coding strand, the complement: IQCB1 is on the minus strand). VCF-style: chr3-121770383-A-T. GRCh37 (hg19) VCF-style: chr3-121489230-A-T.
Other names: c.1360T>A, p.Leu454Ile (NM_001023571.4); c.1759T>A, p.Leu587Ile (NM_001319107.2); short protein forms L454I, L587I.
Identifiers: ClinVar variation 3731415 (VCV003731415.1).